The following is an entry in ClinVar:

NM_005765.3(ATP6AP2):c.218G>A (p.Arg73Gln)

Gene: ATP6AP2 (ATPase H+ transporting accessory protein 2; plus strand). Cytogenetic location: Xp11.4.
Variant type: single nucleotide variant.
Coding change: c.218G>A on transcript NM_005765.3 (MANE Select); coding-DNA position 218, G replaced by A.
Protein change: p.Arg73Gln; replaces arginine 73 with glutamine.
Molecular consequence: missense variant.
Genome position (GRCh38, 1-based): chrX:40,591,283, G>A. VCF-style: chrX-40591283-G-A. GRCh37 (hg19) VCF-style: chrX-40450535-G-A.
Other names: short protein forms R73Q.
Identifiers: ClinVar variation 861472 (VCV000861472.9), dbSNP rs138150013, ClinGen allele CA10387178.

ClinVar aggregate classification (germline): Uncertain significance (1 of 4 stars; one submission).

Conditions:
Intellectual developmental disorder, X-linked, syndromic, Hedera type. Also called: Syndromic X-linked intellectual disability Hedera type. Identifiers: Orphanet 93952, MedGen C1845543, MONDO:0010319, OMIM 300423.

Allele frequency attached by ClinVar (database versions not stated): gnomAD exomes 0.00001 and below 0.00001; gnomAD 0.00005; ExAC 0.00002; TOPMed 0.00004; ESP Exome Variant Server 0.00009.

Submissions (4):

Labcorp Genetics (formerly Invitae), Labcorp
Classification: Uncertain significance for Intellectual developmental disorder, X-linked, syndromic, Hedera type. Last evaluated: 2025-09-02. Review status: criteria provided, single submitter. Criteria: Invitae Variant Classification Sherloc (09022015). Collection method: clinical testing. Allele origin: germline.
Comment: This sequence change replaces arginine, which is basic and polar, with glutamine, which is neutral and polar, at codon 73 of the ATP6AP2 protein (p.Arg73Gln). This variant is present in population databases (rs138150013, gnomAD 0.008%). This variant has not been reported in the literature in individuals affected with ATP6AP2-related conditions. ClinVar contains an entry for this variant (Variation ID: 861472). Invitae Evidence Modeling of protein sequence and biophysical properties (such as structural, functional, and spatial information, amino acid conservation, physicochemical variation, residue mobility, and thermodynamic stability) indicates that this missense variant is not expected to disrupt ATP6AP2 protein function with a negative predictive value of 80%. Algorithms developed to predict the effect of sequence changes on RNA splicing suggest that this variant may create or strengthen a splice site. In summary, the available evidence is currently insufficient to determine the role of this variant in disease. Therefore, it has been classified as a Variant of Uncertain Significance.

Dr. Peter K. Rogan Lab, Western University
No classification provided (evidence only). Condition: Thyroid cancer, nonmedullary, 1. Review status: no classification provided. Collection method: in vitro. Allele origin: not applicable. Functional consequence: retained intron. Not counted in ClinVar's aggregate classification.

Dr. Peter K. Rogan Lab, Western University
No classification provided (evidence only). Condition: Thyroid cancer, nonmedullary, 1. Review status: no classification provided. Collection method: in vitro. Allele origin: not applicable. Functional consequence: retained intron. Not counted in ClinVar's aggregate classification.

Dr. Peter K. Rogan Lab, Western University
No classification provided (evidence only). Condition: Thyroid cancer, nonmedullary, 1. Review status: no classification provided. Collection method: in vitro. Allele origin: not applicable. Functional consequence: retained intron. Not counted in ClinVar's aggregate classification.